The following is an entry in ClinVar:

NM_001130009.3(GEN1):c.1771G>A (p.Glu591Lys)

Gene: GEN1 (GEN1 structure-specific endonuclease; plus strand). Cytogenetic location: 2p24.2.
Variant type: single nucleotide variant.
Coding change: c.1771G>A on transcript NM_001130009.3 (MANE Select); coding-DNA position 1771, G replaced by A.
Protein change: p.Glu591Lys; replaces glutamic acid 591 with lysine.
Molecular consequence: missense variant.
Genome position (GRCh38, 1-based): chr2:17,780,983, G>A. VCF-style: chr2-17780983-G-A. GRCh37 (hg19) VCF-style: chr2-17962250-G-A.
Other names: c.1771G>A, p.Glu591Lys (NM_182625.5); short protein forms E591K.
Identifiers: ClinVar variation 5022283 (VCV005022283.1).

ClinVar aggregate classification (germline): Uncertain significance (1 of 4 stars; one submission).

Submission:

Ambry Genetics
Classification: Uncertain significance. Last evaluated: 2026-06-18. Review status: criteria provided, single submitter. Criteria: Ambry Variant Classification Scheme 2023. Collection method: clinical testing. Allele origin: germline.
Comment: The p.E591K variant (also known as c.1771G>A), located in coding exon 13 of the GEN1 gene, results from a G to A substitution at nucleotide position 1771. The glutamic acid at codon 591 is replaced by lysine, an amino acid with similar properties. This amino acid position is conserved. In addition, this alteration is predicted to be tolerated by in silico analysis. Based on the available evidence, the clinical significance of this variant remains unclear.